The following is an entry in ClinVar:

ClinVar aggregate classification (germline): Uncertain significance (1 of 4 stars; one submission).

gnomAD v4.1: 1 of 1,574,020 alleles (0.000064%); highest among the groups gnomAD compares: Non-Finnish European, 0.000086%; no homozygotes.

Submission:

Labcorp Genetics (formerly Invitae), Labcorp
Classification: Uncertain significance. Last evaluated: 2021-09-20. Review status: criteria provided, single submitter. Criteria: Invitae Variant Classification Sherloc (09022015). Collection method: clinical testing. Allele origin: germline.
Comment: This sequence change replaces alanine with valine at codon 2161 of the ADGRV1 protein (p.Ala2161Val). The alanine residue is highly conserved and there is a small physicochemical difference between alanine and valine. This variant is not present in population databases (ExAC no frequency). This variant has not been reported in the literature in individuals affected with ADGRV1-related conditions. Algorithms developed to predict the effect of missense changes on protein structure and function are either unavailable or do not agree on the potential impact of this missense change (SIFT: "Deleterious"; PolyPhen-2: "Possibly Damaging"; Align-GVGD: "Class C0"). In summary, the available evidence is currently insufficient to determine the role of this variant in disease. Therefore, it has been classified as a Variant of Uncertain Significance.

NM_032119.4(ADGRV1):c.6482C>T (p.Ala2161Val)

Gene: ADGRV1 (adhesion G protein-coupled receptor V1; plus strand). Cytogenetic location: 5q14.3.
Variant type: single nucleotide variant.
Coding change: c.6482C>T on transcript NM_032119.4 (MANE Select); coding-DNA position 6482, C replaced by T.
Protein change: p.Ala2161Val; replaces alanine 2161 with valine.
Molecular consequence: missense variant. On other transcripts: non-coding transcript variant (1).
Genome position (GRCh38, 1-based): chr5:90,685,987, C>T. VCF-style: chr5-90685987-C-T. GRCh37 (hg19) VCF-style: chr5-89981804-C-T.
Other names: short protein forms A2161V.
Identifiers: ClinVar variation 1373743 (VCV001373743.3), dbSNP rs2149595673, ClinGen allele CA360364186.